The following is an entry in ClinVar:

ClinVar aggregate classification (germline): Uncertain significance (0 of 4 stars; one submission).

Conditions:
NF1-related disorder. Also called: NF1-related condition. Identifiers: MedGen CN379171.

Submission:

PreventionGenetics, part of Exact Sciences
Classification: Uncertain significance for NF1-related condition. Last evaluated: 2024-09-18. Review status: no assertion criteria provided. Collection method: clinical testing. Allele origin: germline.
Comment: The NF1 c.1868A>C variant is predicted to result in the amino acid substitution p.His623Pro. To our knowledge, this variant has not been reported in the literature or in a large population database, indicating this variant is rare. At this time, the clinical significance of this variant is uncertain due to the absence of conclusive functional and genetic evidence.

NM_001042492.3(NF1):c.1868A>C (p.His623Pro)

Gene: NF1 (neurofibromin 1; plus strand). Cytogenetic location: 17q11.2.
Variant type: single nucleotide variant.
Coding change: c.1868A>C on transcript NM_001042492.3 (MANE Select); coding-DNA position 1868, A replaced by C.
Protein change: p.His623Pro; replaces histidine 623 with proline.
Molecular consequence: missense variant.
Genome position (GRCh38, 1-based): chr17:31,225,117, A>C. VCF-style: chr17-31225117-A-C. GRCh37 (hg19) VCF-style: chr17-29552135-A-C.
Other names: c.1868A>C, p.His623Pro (NM_000267.4); short protein forms H623P.
Identifiers: ClinVar variation 3347585 (VCV003347585.1).